The following is an entry in ClinVar:

NM_170754.4(TNS2):c.3107C>T (p.Pro1036Leu)

Gene: TNS2 (tensin 2; plus strand). Cytogenetic location: 12q13.13.
Variant type: single nucleotide variant.
Coding change: c.3107C>T on transcript NM_170754.4 (MANE Select); coding-DNA position 3107, C replaced by T.
Protein change: p.Pro1036Leu; replaces proline 1036 with leucine.
Molecular consequence: missense variant.
Genome position (GRCh38, 1-based): chr12:53,061,013, C>T. VCF-style: chr12-53061013-C-T. GRCh37 (hg19) VCF-style: chr12-53454797-C-T.
Other names: c.3107C>T, p.Pro1036Leu (NM_001416202.1); c.3065C>T, p.Pro1022Leu (NM_001416203.1); c.3134C>T, p.Pro1045Leu (NM_001416204.1); c.3038C>T, p.Pro1013Leu (NM_015319.3); c.2735C>T, p.Pro912Leu (NM_198316.2); short protein forms P1045L, P912L, P1036L, P1013L, P1022L.
Identifiers: ClinVar variation 2821095 (VCV002821095.3), dbSNP rs1592257209, ClinGen allele CA385015060.
Genomic context (GRCh38, chr12:53,061,013, plus strand): 5'-CCTGGCAAGGCCCTCGAGGCCCCCCCGACAGCCCAGATGGGTCTCCCCTCACTCCTGTGC[C>T]TTCCCAGATGCCCTGGCTTGTGGCCAGCCCAGAGCCGCCTCAGAGCTCACCTACACCTGC-3'
Protein context (NP_736610.2, residues 1026-1046): SPDGSPLTPV[Pro1036Leu]SQMPWLVASP

ClinVar aggregate classification (germline): Uncertain significance (1 of 4 stars; one submission).

gnomAD v4.1: 1 of 1,613,694 alleles (0.000062%); no homozygotes.

Submission:

Labcorp Genetics (formerly Invitae), Labcorp
Classification: Uncertain significance. Last evaluated: 2023-03-03. Review status: criteria provided, single submitter. Criteria: Invitae Variant Classification Sherloc (09022015). Collection method: clinical testing. Allele origin: germline.
Comment: This variant is not present in population databases (gnomAD no frequency). This variant has not been reported in the literature in individuals affected with TNS2-related conditions. An algorithm developed to predict the effect of missense changes on protein structure and function (PolyPhen-2) suggests that this variant is likely to be disruptive. In summary, the available evidence is currently insufficient to determine the role of this variant in disease. Therefore, it has been classified as a Variant of Uncertain Significance. This sequence change replaces proline, which is neutral and non-polar, with leucine, which is neutral and non-polar, at codon 1046 of the TNS2 protein (p.Pro1046Leu).